The following is an entry in ClinVar:

NM_015072.5(TTLL5):c.491C>T (p.Ala164Val)

Gene: TTLL5 (tubulin tyrosine ligase like 5; plus strand). Cytogenetic location: 14q24.3.
Variant type: single nucleotide variant.
Coding change: c.491C>T on transcript NM_015072.5 (MANE Select); coding-DNA position 491, C replaced by T.
Protein change: p.Ala164Val; replaces alanine 164 with valine.
Molecular consequence: missense variant.
Genome position (GRCh38, 1-based): chr14:75,690,311, C>T. VCF-style: chr14-75690311-C-T. GRCh37 (hg19) VCF-style: chr14-76156654-C-T.
Other names: short protein forms A164V.
Identifiers: ClinVar variation 867121 (VCV000867121.7), dbSNP rs370083774, ClinGen allele CA7278940.

ClinVar aggregate classification (germline): Uncertain significance. Review status: criteria provided, multiple submitters, no conflicts (2 of 4 stars). 2 submissions from 2 submitters: Uncertain significance (2). Last evaluated 2025-09-02.

Allele frequency attached by ClinVar (database versions not stated): ExAC 0.00005; gnomAD 0.00005 and 0.00006; gnomAD exomes 0.00005 and 0.00007; TOPMed 0.00005; ESP Exome Variant Server 0.00008.
gnomAD v4.1: 110 of 1,606,222 alleles (0.0068%); highest among the groups gnomAD compares: East Asian, 0.011%; no homozygotes.

Submissions (2):

Labcorp Genetics (formerly Invitae), Labcorp
Classification: Uncertain significance. Last evaluated: 2025-09-02. Review status: criteria provided, single submitter. Criteria: Invitae Variant Classification Sherloc (09022015). Collection method: clinical testing. Allele origin: germline.
Comment: This sequence change replaces alanine, which is neutral and non-polar, with valine, which is neutral and non-polar, at codon 164 of the TTLL5 protein (p.Ala164Val). This variant is present in population databases (rs370083774, gnomAD 0.02%). This variant has not been reported in the literature in individuals affected with TTLL5-related conditions. ClinVar contains an entry for this variant (Variation ID: 867121). Invitae Evidence Modeling of protein sequence and biophysical properties (such as structural, functional, and spatial information, amino acid conservation, physicochemical variation, residue mobility, and thermodynamic stability) indicates that this missense variant is not expected to disrupt TTLL5 protein function with a negative predictive value of 80%. Algorithms developed to predict the effect of sequence changes on RNA splicing suggest that this variant may create or strengthen a splice site. In summary, the available evidence is currently insufficient to determine the role of this variant in disease. Therefore, it has been classified as a Variant of Uncertain Significance.

Blueprint Genetics
Classification: Uncertain significance. Last evaluated: 2021-11-16. Review status: criteria provided, single submitter. Criteria: ACMG Guidelines, 2015. Collection method: clinical testing. Allele origin: germline.